The following is an entry in ClinVar:

ClinVar aggregate classification (germline): Uncertain significance (1 of 4 stars; one submission).

Conditions:
Polycystic kidney disease, adult type (PKD1). Also called: Polycystic Kidney Disease 1, Autosomal Dominant; Polycystic kidney disease 1; Polycystic kidney disease 1, severe; Polycystic Kidney, Autosomal Dominant; POLYCYSTIC KIDNEY DISEASE 1 WITH OR WITHOUT POLYCYSTIC LIVER DISEASE; POLYCYSTIC KIDNEY DISEASE, ADULT, TYPE I. Identifiers: MedGen C3149841, MONDO:0008263, OMIM 173900.

Submission:

MVZ Medizinische Genetik Mainz
Classification: Uncertain significance for Polycystic kidney disease, adult type. Last evaluated: 2025-05-19. Review status: criteria provided, single submitter. Criteria: UK Practice Guidelines For Variant Classification V4 01 2020. Collection method: clinical testing. Allele origin: germline. Inheritance: Autosomal dominant inheritance. Affected: yes. Observed: 1 variant allele.
Comment: ACMG Criteria: PM2_SUP,PM4_SUP,PP3,PP4

NM_001009944.3(PKD1):c.9816_9818del (p.Ser3273del)

Gene: PKD1 (polycystin 1, transient receptor potential channel interacting; minus strand). Cytogenetic location: 16p13.3.
Variant type: Deletion.
Coding change: c.9816_9818del on transcript NM_001009944.3 (MANE Select); coding-DNA positions 9816 to 9818, 3 bases deleted (TAG; older notation c.9816_9818delTAG).
Protein change: p.Ser3273del; deletes serine 3273.
Genome position (GRCh38, 1-based): chr16:2,099,966-2,099,968, CTA deleted on the plus strand (TAG on the coding strand, the reverse complement: PKD1 is on the minus strand); deleting any 3 consecutive bases within chr16:2,099,966-2,099,969 gives the same sequence; the c. name uses the placement nearest the transcript's 3' end. VCF-style (leftmost placement, unchanged base first): chr16-2099965-GCTA-G. GRCh37 (hg19) VCF-style: chr16-2149966-GCTA-G.
Other names: c.9816_9818del, p.Ser3273del (NM_000296.4); short protein forms S3273del.
Identifiers: ClinVar variation 3907691 (VCV003907691.1).
Genomic context (GRCh38, chr16:2,099,965, plus strand): 5'-GCCCAGGAAGAGGCAGATGAGGAGAACGCAGCAGGTGGCCCTCTGGATGCGAGTGAAACG[GCTA>G]CGAGGCGGCCGGTCCCATATGGAGAGCCAGATGTGCTTGTCAAAGAAGCCACGCTGCAGC-3'